The following is an entry in ClinVar:

ClinVar aggregate classification (germline): Uncertain significance (1 of 4 stars; one submission).

Conditions:
Familial adenomatous polyposis 1 (FAP1). Also called: FAMILIAL ADENOMATOUS POLYPOSIS 1, ATTENUATED; POLYPOSIS, ADENOMATOUS INTESTINAL. Identifiers: MedGen C2713442, MONDO:0021056, OMIM 175100. Disease mechanism: loss of function.

Submission:

Labcorp Genetics (formerly Invitae), Labcorp
Classification: Uncertain significance for Familial adenomatous polyposis 1. Last evaluated: 2023-08-23. Review status: criteria provided, single submitter. Criteria: Invitae Variant Classification Sherloc (09022015). Collection method: clinical testing. Allele origin: germline.
Comment: In summary, the available evidence is currently insufficient to determine the role of this variant in disease. Therefore, it has been classified as a Variant of Uncertain Significance. Advanced modeling of protein sequence and biophysical properties (such as structural, functional, and spatial information, amino acid conservation, physicochemical variation, residue mobility, and thermodynamic stability) performed at Invitae indicates that this missense variant is not expected to disrupt APC protein function. This variant has not been reported in the literature in individuals affected with APC-related conditions. This variant is not present in population databases (gnomAD no frequency). This sequence change replaces serine, which is neutral and polar, with tyrosine, which is neutral and polar, at codon 367 of the APC protein (p.Ser367Tyr).

NM_000038.6(APC):c.1100C>A (p.Ser367Tyr)

Gene: APC (APC regulator of Wnt signaling pathway; plus strand). Cytogenetic location: 5q22.2.
Variant type: single nucleotide variant.
Coding change: c.1100C>A on transcript NM_000038.6 (MANE Select); coding-DNA position 1100, C replaced by A.
Protein change: p.Ser367Tyr; replaces serine 367 with tyrosine.
Molecular consequence: missense variant. On other transcripts: non-coding transcript variant (2), intron variant (15).
Genome position (GRCh38, 1-based): chr5:112,819,132, C>A. VCF-style: chr5-112819132-C-A. GRCh37 (hg19) VCF-style: chr5-112154829-C-A.
Other names: c.1100C>A, p.Ser367Tyr (NM_001127510.3, NM_001354895.2, NM_001354896.2 and 4 more transcripts); c.1046C>A, p.Ser349Tyr (NM_001127511.3); c.1130C>A, p.Ser377Tyr (NM_001354897.2, NM_001407446.1); c.1025C>A, p.Ser342Tyr (NM_001354898.2, NM_001407451.1); c.1016C>A, p.Ser339Tyr (NM_001354899.2, NM_001407452.1); c.923C>A, p.Ser308Tyr (NM_001354900.2, NM_001354901.2, NM_001407453.1); c.251C>A, p.Ser84Tyr (NM_001354906.2, NM_001407470.1); c.85-137C>A (NM_001407472.1, NM_001407471.1); and 5 more; short protein forms S308Y, S377Y, S84Y, S339Y, S342Y, S349Y, S367Y.
Identifiers: ClinVar variation 3018548 (VCV003018548.3), dbSNP rs1554080012, ClinGen allele CA16023723.
Genomic context (GRCh38, chr5:112,819,132, plus strand): 5'-TGCGACAGTCTGGATGTCTTCCTCTCCTCATCCAGCTTTTACATGGCAATGACAAAGACT[C>A]TGTATTGTTGGGAAATTCCCGGGGCAGTAAAGAGGCTCGGGCCAGGGCCAGTGCAGCACT-3'
Protein context (NP_000029.2, residues 357-377): IQLLHGNDKD[Ser367Tyr]VLLGNSRGSK